The following is an entry in ClinVar:

ClinVar aggregate classification (germline): Uncertain significance. Review status: criteria provided, single submitter (1 of 4 stars). 2 submissions from 2 submitters: Uncertain significance (1). 1 of the submissions does not count toward it. Last evaluated 2025-07-08.

Conditions:
COL4A1-related disorder. Also called: COL4A1-related condition; COL4A1-related disorders. Identifiers: MedGen CN376119, MONDO:0800461.

gnomAD v4.1: 9 of 1,614,140 alleles (0.00056%); highest among the groups gnomAD compares: Non-Finnish European, 0.00076%; no homozygotes.

Submissions (2):

Labcorp Genetics (formerly Invitae), Labcorp
Classification: Uncertain significance. Last evaluated: 2025-07-08. Review status: criteria provided, single submitter. Criteria: Invitae Variant Classification Sherloc (09022015). Collection method: clinical testing. Allele origin: germline.
Comment: This sequence change falls in intron 41 of the COL4A1 gene. It does not directly change the encoded amino acid sequence of the COL4A1 protein. It affects a nucleotide within the consensus splice site. This variant is not present in population databases (gnomAD no frequency). This variant has not been reported in the literature in individuals affected with COL4A1-related conditions. ClinVar contains an entry for this variant (Variation ID: 2803557). Variants that disrupt the consensus splice site are a relatively common cause of aberrant splicing (PMID: 17576681, 9536098). Algorithms developed to predict the effect of sequence changes on RNA splicing suggest that this variant may disrupt the consensus splice site. In summary, the available evidence is currently insufficient to determine the role of this variant in disease. Therefore, it has been classified as a Variant of Uncertain Significance.

PreventionGenetics, part of Exact Sciences
Classification: Uncertain significance for COL4A1-related condition. Last evaluated: 2024-02-14. Review status: no assertion criteria provided. Collection method: clinical testing. Allele origin: germline. Not counted in ClinVar's aggregate classification.
Comment: The COL4A1 c.3557-3C>G variant is predicted to interfere with splicing. To our knowledge, this variant has not been reported in the literature or in a large population database, indicating this variant is rare. At this time, the clinical significance of this variant is uncertain due to the absence of conclusive functional and genetic evidence.

Literature cited by the submitters: PubMed 17576681 (cited by Labcorp Genetics (formerly Invitae), Labcorp); PubMed 9536098 (cited by Labcorp Genetics (formerly Invitae), Labcorp).

NM_001845.6(COL4A1):c.3557-3C>G

Gene: COL4A1 (collagen type IV alpha 1 chain; minus strand). Cytogenetic location: 13q34.
Variant type: single nucleotide variant.
Coding change: c.3557-3C>G on transcript NM_001845.6 (MANE Select); 3 bases into the intron before coding-DNA position 3557, C replaced by G.
Molecular consequence: intron variant.
Genome position (GRCh38, 1-based): chr13:110,170,735, G>C on the plus strand (C>G on the coding strand, the complement: COL4A1 is on the minus strand). VCF-style: chr13-110170735-G-C. GRCh37 (hg19) VCF-style: chr13-110823082-G-C.
Other names: c.3557-3C>G (NM_001845.5).
Identifiers: ClinVar variation 2803557 (VCV002803557.5), dbSNP rs185281604, ClinGen allele CA695033431.